The following is an entry in ClinVar:

ClinVar aggregate classification (germline): Uncertain significance (1 of 4 stars; one submission).

Conditions:
Hereditary cancer-predisposing syndrome. Also called: Tumor predisposition; Neoplastic Syndromes, Hereditary; Hereditary Cancer Syndrome; Hereditary neoplastic syndrome. Identifiers: Orphanet 140162, MedGen C0027672, MeSH D009386, MONDO:0015356.

Submission:

Ambry Genetics
Classification: Uncertain significance for Hereditary cancer-predisposing syndrome. Last evaluated: 2025-01-31. Review status: criteria provided, single submitter. Criteria: Ambry Variant Classification Scheme 2023. Collection method: clinical testing. Allele origin: germline.
Comment: The p.L2574F variant (also known as c.7720C>T), located in coding exon 15 of the APC gene, results from a C to T substitution at nucleotide position 7720. The leucine at codon 2574 is replaced by phenylalanine, an amino acid with highly similar properties. This amino acid position is conserved. In addition, in silico predictors for this gene do not accurately predict pathogenicity. Based on the available evidence, the clinical significance of this variant remains unclear.

NM_000038.6(APC):c.7720C>T (p.Leu2574Phe)

Gene: APC (APC regulator of Wnt signaling pathway; plus strand). Cytogenetic location: 5q22.2.
Variant type: single nucleotide variant.
Coding change: c.7720C>T on transcript NM_000038.6 (MANE Select); coding-DNA position 7720, C replaced by T.
Protein change: p.Leu2574Phe; replaces leucine 2574 with phenylalanine.
Molecular consequence: missense variant. On other transcripts: non-coding transcript variant (2).
Genome position (GRCh38, 1-based): chr5:112,843,314, C>T. VCF-style: chr5-112843314-C-T. GRCh37 (hg19) VCF-style: chr5-112179011-C-T.
Other names: c.7720C>T, p.Leu2574Phe (NM_001127510.3, NM_001354895.2, NM_001407450.1); c.7666C>T, p.Leu2556Phe (NM_001127511.3); c.7774C>T, p.Leu2592Phe (NM_001354896.2, NM_001407447.1, NM_001407448.1 and 1 more transcripts); c.7750C>T, p.Leu2584Phe (NM_001354897.2); c.7645C>T, p.Leu2549Phe (NM_001354898.2); c.7636C>T, p.Leu2546Phe (NM_001354899.2); c.7597C>T, p.Leu2533Phe (NM_001354900.2); c.7543C>T, p.Leu2515Phe (NM_001354901.2, NM_001407453.1); and 11 more; short protein forms L2483F, L2592F, L2190F, L2291F, L2448F, L2473F, L2515F, L2549F.
Identifiers: ClinVar variation 3882182 (VCV003882182.1).
Genomic context (GRCh38, chr5:112,843,314, plus strand): 5'-CATTCATCATCCCTTCCTCGAGTAAGCACTTGGAGAAGAACTGGAAGTTCATCTTCAATT[C>T]TTTCTGCTTCATCAGAATCCAGTGAAAAAGCAAAAAGTGAGGATGAAAAACATGTGAACT-3'
Protein context (NP_000029.2, residues 2564-2584): WRRTGSSSSI[Leu2574Phe]SASSESSEKA